The following is an entry in ClinVar:

NM_004991.4(MECOM):c.530C>T (p.Ala177Val)

Gene: MECOM (MDS1 and EVI1 complex locus; minus strand). Cytogenetic location: 3q26.2.
Variant type: single nucleotide variant.
Coding change: c.530C>T on transcript NM_004991.4 (MANE Select); coding-DNA position 530, C replaced by T.
Protein change: p.Ala177Val; replaces alanine 177 with valine.
Molecular consequence: missense variant. On other transcripts: 5 prime UTR variant (12).
Genome position (GRCh38, 1-based): chr3:169,131,512, G>A on the plus strand (C>T on the coding strand, the complement: MECOM is on the minus strand). VCF-style: chr3-169131512-G-A. GRCh37 (hg19) VCF-style: chr3-168849300-G-A.
Other names: c.158C>T, p.Ala53Val (NM_001105077.4); c.-35C>T (NM_001105078.4, NM_001163999.2, NM_001164000.2 and 9 more transcripts); c.530C>T, p.Ala177Val (NM_001366466.2, NM_001366473.2); short protein forms A177V, A53V.
Identifiers: ClinVar variation 4053184 (VCV004053184.1).
Genomic context (GRCh38, chr3:169,131,512, plus strand): 5'-TCATGGGGATAGTCTTCGCTCTTCATGAACAGCAGAAGCTCCTCTCCCGGCGCAATGTCT[G>A]CAACTACTCTATAGAATATCTTTAAAGACAAAATAAAGGTGGATGGAATCAGGAAAGAGA-3'
Protein context (NP_004982.2, residues 167-187): INDQIFYRVV[Ala177Val]DIAPGEELLL

ClinVar aggregate classification (germline): Uncertain significance (1 of 4 stars; one submission).

Conditions:
Inborn genetic diseases. Identifiers: MedGen C0950123, MeSH D030342.

gnomAD v4.1: 23 of 1,613,128 alleles (0.0014%); no homozygotes.

Submission:

Ambry Genetics
Classification: Uncertain significance for Inborn genetic diseases. Last evaluated: 2025-04-13. Review status: criteria provided, single submitter. Criteria: Ambry Variant Classification Scheme 2023. Collection method: clinical testing. Allele origin: germline.
Comment: The p.A177V variant (also known as c.530C>T), located in coding exon 4 of the MECOM gene, results from a C to T substitution at nucleotide position 530. The alanine at codon 177 is replaced by valine, an amino acid with similar properties. This amino acid position is conserved. In addition, this alteration is predicted to be tolerated by in silico analysis. Based on the available evidence, the clinical significance of this variant remains unclear.